The following is an entry in ClinVar:

ClinVar aggregate classification (germline): Uncertain significance (1 of 4 stars; one submission).

Submission:

CeGaT Center for Human Genetics Tuebingen
Classification: Uncertain significance. Last evaluated: 2023-04-01. Review status: criteria provided, single submitter. Criteria: CeGaT Center For Human Genetics Tuebingen Variant Classification Criteria Version 2. Collection method: clinical testing. Allele origin: germline. Affected: yes. Observed: 1 variant allele.
Comment: NAGLU: PM2

NM_000263.4(NAGLU):c.1540C>G (p.Arg514Gly)

Gene: NAGLU (N-acetyl-alpha-glucosaminidase; plus strand). Cytogenetic location: 17q21.2.
Variant type: single nucleotide variant.
Coding change: c.1540C>G on transcript NM_000263.4 (MANE Select); coding-DNA position 1540, C replaced by G.
Protein change: p.Arg514Gly; replaces arginine 514 with glycine.
Molecular consequence: missense variant.
Genome position (GRCh38, 1-based): chr17:42,543,546, C>G. VCF-style: chr17-42543546-C-G. GRCh37 (hg19) VCF-style: chr17-40695564-C-G.
Other names: short protein forms R514G.
Identifiers: ClinVar variation 2647790 (VCV002647790.24), dbSNP rs747653638, ClinGen allele CA399604136.